The following is an entry in ClinVar:

NM_020944.3(GBA2):c.2197+8C>T

Gene: GBA2 (glucosylceramidase beta 2; minus strand). Cytogenetic location: 9p13.3.
Variant type: single nucleotide variant.
Coding change: c.2197+8C>T on transcript NM_020944.3 (MANE Select); 8 bases into the intron after coding-DNA position 2197, C replaced by T.
Molecular consequence: intron variant.
Genome position (GRCh38, 1-based): chr9:35,738,224, G>A on the plus strand (C>T on the coding strand, the complement: GBA2 is on the minus strand). VCF-style: chr9-35738224-G-A. GRCh37 (hg19) VCF-style: chr9-35738221-G-A.
Other names: p.?; c.2197+8C>T (NM_001330660.2).
Identifiers: ClinVar variation 3034038 (VCV003034038.5), dbSNP rs371770069, ClinGen allele CA5050175.

ClinVar aggregate classification (germline): Likely benign. Review status: criteria provided, multiple submitters, no conflicts (2 of 4 stars). 3 submissions from 3 submitters: Likely benign (2). 1 of the submissions does not count toward it. Last evaluated 2025-11-01.

Conditions:
GBA2-related disorder. Also called: GBA2-related condition.
Spastic paraplegia. Identifiers: MedGen C0037772, HP:0001258.

Allele frequency attached by ClinVar (database versions not stated): gnomAD 0.00012; ESP Exome Variant Server 0.00031.

Submissions (3):

Mayo Clinic Laboratories, Mayo Clinic
Classification: Likely benign. Last evaluated: 2025-11-01. Review status: criteria provided, single submitter. Criteria: ACMG Guidelines, 2015. Collection method: clinical testing. Allele origin: germline. Observed: 1 variant allele.
Comment: BP4, BP7

Labcorp Genetics (formerly Invitae), Labcorp
Classification: Likely benign for Spastic paraplegia. Last evaluated: 2024-08-01. Review status: criteria provided, single submitter. Criteria: Invitae Variant Classification Sherloc (09022015). Collection method: clinical testing. Allele origin: germline.

PreventionGenetics, part of Exact Sciences
Classification: Likely benign for GBA2-related condition. Last evaluated: 2019-06-11. Review status: no assertion criteria provided. Collection method: clinical testing. Allele origin: germline. Not counted in ClinVar's aggregate classification.
Comment: This variant is classified as likely benign based on ACMG/AMP sequence variant interpretation guidelines (Richards et al. 2015 PMID: 25741868, with internal and published modifications).